The following is an entry in ClinVar:

ClinVar aggregate classification (germline): Uncertain significance (1 of 4 stars; one submission).

Submission:

Women's Health and Genetics/Laboratory Corporation of America, LabCorp
Classification: Uncertain significance. Last evaluated: 2020-04-20. Review status: criteria provided, single submitter. Criteria: LabCorp Variant Classification Summary - May 2015. Collection method: clinical testing. Allele origin: germline.
Comment: Variant summary: BRAF c.2128-16_2128-6del11 alters a nucleotide located close to a canonical splice site and therefore could affect mRNA splicing, leading to a significantly altered protein sequence. 4/4 computational tools predict no significant impact on normal splicing. However, these predictions have yet to be confirmed by functional studies. The variant was absent in 151920 control chromosomes (gnomAD). The available data on variant occurrences in the general population are insufficient to allow any conclusion about variant significance. To our knowledge, no occurrence of c.2128-16_2128-6del11 in individuals affected with Noonan Syndrome And Related Conditions and no experimental evidence demonstrating its impact on protein function have been reported. No clinical diagnostic laboratories have submitted clinical-significance assessments for this variant to ClinVar after 2014. Based on the evidence outlined above, the variant was classified as uncertain significance.

NM_004333.6(BRAF):c.2128-16_2128-6del

Gene: BRAF (B-Raf proto-oncogene, serine/threonine kinase; minus strand). Cytogenetic location: 7q34.
Variant type: Microsatellite.
Coding change: c.2128-16_2128-6del on transcript NM_004333.6 (MANE Select); 16 bases into the intron before coding-DNA position 2128 through 6 bases into the intron before coding-DNA position 2128, 11 bases deleted (CTTTTTTTTTT).
Molecular consequence: intron variant.
Genome position (GRCh38, 1-based): chr7:140,734,776-140,734,786, AAAAAAAAAAG deleted on the plus strand (CTTTTTTTTTT on the coding strand, the reverse complement: BRAF is on the minus strand); deleting any 11 consecutive bases within chr7:140,734,776-140,734,806 gives the same sequence; the c. name uses the placement nearest the transcript's 3' end. VCF-style (leftmost placement, unchanged base first): chr7-140734775-AAAAAAAAAAAG-A. GRCh37 (hg19) VCF-style: chr7-140434575-AAAAAAAAAAAG-A.
Other names: c.2127+5026_2127+5036del (NM_001378468.1, NM_001378474.1); c.2128-16_2128-6del (NM_001354609.2); c.2248-16_2248-6del (NM_001374258.1, NM_001374244.1); c.2137-16_2137-6del (NM_001378467.1); c.1972-16_1972-6del (NM_001378472.1, NM_001378473.1); c.2062-16_2062-6del (NM_001378469.1); c.2026-16_2026-6del (NM_001378470.1); c.1864-16_1864-6del (NM_001378475.1); and 1 more.
Identifiers: ClinVar variation 917766 (VCV000917766.1), dbSNP rs749903414, ClinGen allele CA4516534.